The following is an entry in ClinVar:

NM_015346.4(ZFYVE26):c.1593C>A (p.Asp531Glu)

Gene: ZFYVE26 (zinc finger FYVE-type containing 26; minus strand). Cytogenetic location: 14q24.1.
Variant type: single nucleotide variant.
Coding change: c.1593C>A on transcript NM_015346.4 (MANE Select); coding-DNA position 1593, C replaced by A.
Protein change: p.Asp531Glu; replaces aspartic acid 531 with glutamic acid.
Molecular consequence: missense variant.
Genome position (GRCh38, 1-based): chr14:67,802,125, G>T on the plus strand (C>A on the coding strand, the complement: ZFYVE26 is on the minus strand). VCF-style: chr14-67802125-G-T. GRCh37 (hg19) VCF-style: chr14-68268842-G-T.
Other names: short protein forms D531E.
Identifiers: ClinVar variation 2201048 (VCV002201048.1), dbSNP rs1474271581, ClinGen allele CA390176289.
Genomic context (GRCh38, chr14:67,802,125, plus strand): 5'-GGGAAGTGCTGTACCTGGGGAGGAGAGAGAGTCATTCGCTGGCTCTGTAGCTGAGGCCAG[G>T]TCCTCAGAGAGGCTGTCTTTGCAGTCCTGGCACTGGGAGTGCTGGTGTGAGTTTACACAG-3'
Protein context (NP_056161.2, residues 521-541): CQDCKDSLSE[Asp531Glu]LASATEPAND

ClinVar aggregate classification (germline): Uncertain significance (1 of 4 stars; one submission).

Conditions:
Spastic paraplegia. Identifiers: MedGen C0037772, HP:0001258.

Allele frequency attached by ClinVar (database versions not stated): gnomAD exomes 0.00001.
gnomAD v4.1: 6 of 1,613,890 alleles (0.00037%); highest among the groups gnomAD compares: Non-Finnish European, 0.00034%; no homozygotes.

Submission:

Labcorp Genetics (formerly Invitae), Labcorp
Classification: Uncertain significance for Spastic paraplegia. Last evaluated: 2022-09-01. Review status: criteria provided, single submitter. Criteria: Invitae Variant Classification Sherloc (09022015). Collection method: clinical testing. Allele origin: germline.
Comment: This sequence change replaces aspartic acid, which is acidic and polar, with glutamic acid, which is acidic and polar, at codon 531 of the ZFYVE26 protein (p.Asp531Glu). This variant is present in population databases (no rsID available, gnomAD 0.0009%). This variant has not been reported in the literature in individuals affected with ZFYVE26-related conditions. Algorithms developed to predict the effect of missense changes on protein structure and function (SIFT, PolyPhen-2, Align-GVGD) all suggest that this variant is likely to be tolerated. In summary, the available evidence is currently insufficient to determine the role of this variant in disease. Therefore, it has been classified as a Variant of Uncertain Significance.